The following is an entry in ClinVar:

NM_006648.4(WNK2):c.4345C>T (p.Leu1449Phe)

Gene: WNK2 (WNK lysine deficient protein kinase 2; plus strand). Cytogenetic location: 9q22.31.
Variant type: single nucleotide variant.
Coding change: c.4345C>T on transcript NM_006648.4 (MANE Select); coding-DNA position 4345, C replaced by T.
Protein change: p.Leu1449Phe; replaces leucine 1449 with phenylalanine.
Molecular consequence: missense variant.
Genome position (GRCh38, 1-based): chr9:93,289,099, C>T. VCF-style: chr9-93289099-C-T. GRCh37 (hg19) VCF-style: chr9-96051381-C-T.
Other names: c.4456C>T, p.Leu1486Phe (NM_001282394.3); short protein forms L1486F, L1449F.
Identifiers: ClinVar variation 3817185 (VCV003817185.1).

ClinVar aggregate classification (germline): Uncertain significance (1 of 4 stars; one submission).

Submission:

Ambry Genetics
Classification: Uncertain significance. Last evaluated: 2025-03-01. Review status: criteria provided, single submitter. Criteria: Ambry Variant Classification Scheme 2023. Collection method: clinical testing. Allele origin: germline.
Comment: The p.L1449F variant (also known as c.4345C>T), located in coding exon 19 of the WNK2 gene, results from a C to T substitution at nucleotide position 4345. The leucine at codon 1449 is replaced by phenylalanine, an amino acid with highly similar properties. This amino acid position is conserved. In addition, this alteration is predicted to be tolerated by in silico analysis. Based on the available evidence, the clinical significance of this variant remains unclear.